The following is an entry in ClinVar:

NM_015059.3(TLN2):c.5133C>T (p.Ile1711=)

Gene: TLN2 (talin 2; plus strand). Cytogenetic location: 15q22.2.
Variant type: single nucleotide variant.
Coding change: c.5133C>T on transcript NM_015059.3 (MANE Select); coding-DNA position 5133, C replaced by T.
Protein change: p.Ile1711=; no amino-acid change (isoleucine 1711 retained).
Molecular consequence: synonymous variant.
Genome position (GRCh38, 1-based): chr15:62,766,359, C>T. VCF-style: chr15-62766359-C-T. GRCh37 (hg19) VCF-style: chr15-63058558-C-T.
Other names: c.5133C>T, p.Ile1711= (NM_001394547.1).
Identifiers: ClinVar variation 3025496 (VCV003025496.22), dbSNP rs139582651, ClinGen allele CA7600123.

ClinVar aggregate classification (germline): Likely benign (1 of 4 stars; one submission).

Allele frequency attached by ClinVar (database versions not stated): TOPMed 0.00025; gnomAD 0.00028; ESP Exome Variant Server 0.00038.
gnomAD v4.1: 285 of 1,613,346 alleles (0.018%); highest among the groups gnomAD compares: East Asian, 0.045%; no homozygotes.

Submission:

CeGaT Center for Human Genetics Tuebingen
Classification: Likely benign. Last evaluated: 2024-02-01. Review status: criteria provided, single submitter. Criteria: CeGaT Center For Human Genetics Tuebingen Variant Classification Criteria Version 2. Collection method: clinical testing. Allele origin: germline. Affected: yes. Observed: 1 variant allele.
Comment: TLN2: BP4, BP7